The following is an entry in ClinVar:

NM_001098426.2(SMARCD2):c.677A>G (p.Lys226Arg)

Gene: SMARCD2 (SWI/SNF related BAF chromatin remodeling complex subunit D2; minus strand). Cytogenetic location: 17q23.3.
Variant type: single nucleotide variant.
Coding change: c.677A>G on transcript NM_001098426.2 (MANE Select); coding-DNA position 677, A replaced by G.
Protein change: p.Lys226Arg; replaces lysine 226 with arginine.
Molecular consequence: missense variant.
Genome position (GRCh38, 1-based): chr17:63,835,458, T>C on the plus strand (A>G on the coding strand, the complement: SMARCD2 is on the minus strand). VCF-style: chr17-63835458-T-C. GRCh37 (hg19) VCF-style: chr17-61912818-T-C.
Other names: c.452A>G, p.Lys151Arg (NM_001330439.1); c.533A>G, p.Lys178Arg (NM_001330440.2); short protein forms K151R, K178R, K226R.
Identifiers: ClinVar variation 2115893 (VCV002115893.3), dbSNP rs2040253176, ClinGen allele CA400600817.
Genomic context (GRCh38, chr17:63,835,458, plus strand): 5'-CCTCCCCAACTCACATCATCCAGCAGTTTTCCTTCCACTCGGAGTTCCCAGGAAGCCACC[T>C]TGTCCCCTGCTGGGGTTCCCCCAGGGGTCCCTGCAGTTCCTGCACTATCGCCTTCCGCCT-3'
Protein context (NP_001091896.1, residues 216-236): GTPGGTPAGD[Lys226Arg]VASWELRVEG

ClinVar aggregate classification (germline): Uncertain significance. Review status: criteria provided, multiple submitters, no conflicts (2 of 4 stars). 2 submissions from 2 submitters: Uncertain significance (2). Last evaluated 2022-03-27.

Allele frequency attached by ClinVar (database versions not stated): gnomAD exomes below 0.00001; TOPMed below 0.00001.
gnomAD v4.1: 1 of 1,613,926 alleles (0.000062%); highest among the groups gnomAD compares: South Asian, 0.0011%; no homozygotes.

Submissions (2):

Labcorp Genetics (formerly Invitae), Labcorp
Classification: Uncertain significance. Last evaluated: 2022-03-27. Review status: criteria provided, single submitter. Criteria: Invitae Variant Classification Sherloc (09022015). Collection method: clinical testing. Allele origin: germline.
Comment: In summary, the available evidence is currently insufficient to determine the role of this variant in disease. Therefore, it has been classified as a Variant of Uncertain Significance. Algorithms developed to predict the effect of missense changes on protein structure and function (SIFT, PolyPhen-2, Align-GVGD) all suggest that this variant is likely to be tolerated. This variant has not been reported in the literature in individuals affected with SMARCD2-related conditions. This variant is not present in population databases (gnomAD no frequency). This sequence change replaces lysine, which is basic and polar, with arginine, which is basic and polar, at codon 226 of the SMARCD2 protein (p.Lys226Arg).

Blueprint Genetics
Classification: Uncertain significance. Last evaluated: 2021-08-05. Review status: criteria provided, single submitter. Criteria: ACMG Guidelines, 2015. Collection method: clinical testing. Allele origin: germline.